The following is an entry in ClinVar:

NM_001851.6(COL9A1):c.865G>A (p.Asp289Asn)

Gene: COL9A1 (collagen type IX alpha 1 chain; minus strand). Cytogenetic location: 6q13.
Variant type: single nucleotide variant.
Coding change: c.865G>A on transcript NM_001851.6 (MANE Select); coding-DNA position 865, G replaced by A.
Protein change: p.Asp289Asn; replaces aspartic acid 289 with asparagine.
Molecular consequence: missense variant. On other transcripts: non-coding transcript variant (1).
Genome position (GRCh38, 1-based): chr6:70,281,401, C>T on the plus strand (G>A on the coding strand, the complement: COL9A1 is on the minus strand). VCF-style: chr6-70281401-C-T. GRCh37 (hg19) VCF-style: chr6-70991104-C-T.
Other names: c.136G>A, p.Asp46Asn (NM_001377289.1, NM_001377290.1, NM_078485.4); c.865G>A, p.Asp289Asn (NM_001377291.1); short protein forms D289N, D46N.
Identifiers: ClinVar variation 2106244 (VCV002106244.3), dbSNP rs1158012793, ClinGen allele CA364665927.

ClinVar aggregate classification (germline): Uncertain significance (1 of 4 stars; one submission).

Allele frequency attached by ClinVar (database versions not stated): gnomAD exomes below 0.00001.
gnomAD v4.1: 5 of 1,612,504 alleles (0.00031%); highest among the groups gnomAD compares: African/African-American, 0.0013%; no homozygotes.

Submission:

Labcorp Genetics (formerly Invitae), Labcorp
Classification: Uncertain significance. Last evaluated: 2022-03-04. Review status: criteria provided, single submitter. Criteria: Invitae Variant Classification Sherloc (09022015). Collection method: clinical testing. Allele origin: germline.
Comment: In summary, the available evidence is currently insufficient to determine the role of this variant in disease. Therefore, it has been classified as a Variant of Uncertain Significance. Advanced modeling of protein sequence and biophysical properties (such as structural, functional, and spatial information, amino acid conservation, physicochemical variation, residue mobility, and thermodynamic stability) performed at Invitae indicates that this missense variant is not expected to disrupt COL9A1 protein function. This variant has not been reported in the literature in individuals affected with COL9A1-related conditions. This variant is present in population databases (no rsID available, gnomAD 0.003%). This sequence change replaces aspartic acid, which is acidic and polar, with asparagine, which is neutral and polar, at codon 289 of the COL9A1 protein (p.Asp289Asn).